The following is an entry in ClinVar:

ClinVar aggregate classification (germline): Conflicting classifications of pathogenicity. Review status: criteria provided, conflicting classifications (1 of 4 stars). 4 submissions from 4 submitters: Uncertain significance (2); Likely benign (2). Last evaluated 2025-01-23.

Conditions:
Inborn genetic diseases. Identifiers: MedGen C0950123, MeSH D030342.
Alzheimer disease. Also called: Presenile and senile dementia; Alzheimer's disease. Identifiers: Orphanet 1020, MedGen C0002395, MeSH D000544, MONDO:0004975, HP:0002511.

Allele frequency attached by ClinVar (database versions not stated): gnomAD exomes 0.00003; gnomAD 0.00004; TOPMed 0.00004.

Submissions (4):

Labcorp Genetics (formerly Invitae), Labcorp
Classification: Likely benign for Alzheimer disease. Last evaluated: 2025-01-23. Review status: criteria provided, single submitter. Criteria: Invitae Variant Classification Sherloc (09022015). Collection method: clinical testing. Allele origin: germline.

Ambry Genetics
Classification: Uncertain significance for Inborn genetic diseases. Last evaluated: 2023-12-09. Review status: criteria provided, single submitter. Criteria: Ambry Variant Classification Scheme 2023. Collection method: clinical testing. Allele origin: germline.

Athena Diagnostics
Classification: Likely benign. Last evaluated: 2020-11-16. Review status: criteria provided, single submitter. Criteria: Athena Diagnostics criteria. Collection method: clinical testing. Allele origin: unknown.

Baylor Genetics
Classification: Uncertain significance for Alzheimer disease type 1. Last evaluated: 2019-07-05. Review status: criteria provided, single submitter. Criteria: ACMG Guidelines, 2015. Collection method: clinical testing. Allele origin: unknown. Affected: yes.
Comment: This variant was determined to be of uncertain significance according to ACMG Guidelines, 2015 [PMID:25741868].

NM_000484.4(APP):c.917G>A (p.Arg306His)

Gene: APP (amyloid beta precursor protein; minus strand). Cytogenetic location: 21q21.3.
Variant type: single nucleotide variant.
Coding change: c.917G>A on transcript NM_000484.4 (MANE Select); coding-DNA position 917, G replaced by A.
Protein change: p.Arg306His; replaces arginine 306 with histidine.
Molecular consequence: missense variant. On other transcripts: intron variant (5).
Genome position (GRCh38, 1-based): chr21:26,000,131, C>T on the plus strand (G>A on the coding strand, the complement: APP is on the minus strand). VCF-style: chr21-26000131-C-T. GRCh37 (hg19) VCF-style: chr21-27372446-C-T.
Other names: c.902G>A, p.Arg301His (NM_001136016.3); c.749G>A, p.Arg250His (NM_001136130.3); c.917G>A, p.Arg306His (NM_001204301.2, NM_001204302.2, NM_201413.3); c.761-17654G>A (NM_001136131.3); c.698-17654G>A (NM_001136129.3); c.866-17654G>A (NM_001204303.2, NM_201414.3); c.866-2715G>A (NM_001385253.1); short protein forms R306H, R250H, R301H.
Identifiers: ClinVar variation 1028288 (VCV001028288.9), dbSNP rs202218688, ClinGen allele CA9987496.